The following is an entry in ClinVar:

NM_006389.5(HYOU1):c.2888G>A (p.Gly963Glu)

Gene: HYOU1 (hypoxia up-regulated 1; minus strand). Cytogenetic location: 11q23.3.
Variant type: single nucleotide variant.
Coding change: c.2888G>A on transcript NM_006389.5 (MANE Select); coding-DNA position 2888, G replaced by A.
Protein change: p.Gly963Glu; replaces glycine 963 with glutamic acid.
Molecular consequence: missense variant.
Genome position (GRCh38, 1-based): chr11:119,045,831, C>T on the plus strand (G>A on the coding strand, the complement: HYOU1 is on the minus strand). VCF-style: chr11-119045831-C-T. GRCh37 (hg19) VCF-style: chr11-118916543-C-T.
Other names: c.2888G>A, p.Gly963Glu (NM_001130991.3); c.2891G>A, p.Gly964Glu (NM_001411041.1); short protein forms G964E, G963E.
Identifiers: ClinVar variation 2747937 (VCV002747937.3), dbSNP rs2497082942, ClinGen allele CA382917071.

ClinVar aggregate classification (germline): Uncertain significance (1 of 4 stars; one submission).

Submission:

Labcorp Genetics (formerly Invitae), Labcorp
Classification: Uncertain significance. Last evaluated: 2025-01-06. Review status: criteria provided, single submitter. Criteria: Invitae Variant Classification Sherloc (09022015). Collection method: clinical testing. Allele origin: germline.
Comment: This sequence change replaces glycine, which is neutral and non-polar, with glutamic acid, which is acidic and polar, at codon 963 of the HYOU1 protein (p.Gly963Glu). This variant is not present in population databases (gnomAD no frequency). This variant has not been reported in the literature in individuals affected with HYOU1-related conditions. ClinVar contains an entry for this variant (Variation ID: 2747937). An algorithm developed to predict the effect of missense changes on protein structure and function outputs the following: PolyPhen-2: "Benign". The glutamic acid amino acid residue is found in multiple mammalian species, which suggests that this missense change does not adversely affect protein function. In summary, the available evidence is currently insufficient to determine the role of this variant in disease. Therefore, it has been classified as a Variant of Uncertain Significance.